The following is an entry in ClinVar:

ClinVar aggregate classification (germline): Uncertain significance (1 of 4 stars; one submission).

Submission:

GeneDx
Classification: Uncertain significance. Last evaluated: 2024-05-07. Review status: criteria provided, single submitter. Criteria: GeneDx Variant Classification Process June 2021. Collection method: clinical testing. Allele origin: germline. Affected: yes.
Comment: Not observed at significant frequency in large population cohorts (gnomAD); In silico analysis supports that this missense variant has a deleterious effect on protein structure/function; Has not been previously published as pathogenic or benign to our knowledge

NM_001394998.1(TANC2):c.6145A>G (p.Arg2049Gly)

Gene: TANC2 (tetratricopeptide repeat, ankyrin repeat and coiled-coil containing 2; plus strand). Cytogenetic location: 17q23.3.
Variant type: single nucleotide variant.
Coding change: c.6145A>G on transcript NM_001394998.1 (MANE Select); coding-DNA position 6145, A replaced by G.
Protein change: p.Arg2049Gly; replaces arginine 2049 with glycine.
Molecular consequence: missense variant.
Genome position (GRCh38, 1-based): chr17:63,421,875, A>G. VCF-style: chr17-63421875-A-G. GRCh37 (hg19) VCF-style: chr17-61499236-A-G.
Other names: c.5923A>G, p.Arg1975Gly (NM_001411076.1); c.5893A>G, p.Arg1965Gly (NM_025185.4); short protein forms R1965G, R1975G, R2049G.
Identifiers: ClinVar variation 3378137 (VCV003378137.1).